The following is an entry in ClinVar:

NM_006206.6(PDGFRA):c.50-4G>T

Gene: PDGFRA (platelet derived growth factor receptor alpha; plus strand). Cytogenetic location: 4q12.
Variant type: single nucleotide variant.
Coding change: c.50-4G>T on transcript NM_006206.6 (MANE Select); 4 bases into the intron before coding-DNA position 50, G replaced by T.
Molecular consequence: intron variant.
Genome position (GRCh38, 1-based): chr4:54,261,091, G>T. VCF-style: chr4-54261091-G-T. GRCh37 (hg19) VCF-style: chr4-55127258-G-T.
Other names: c.125-4G>T (NM_001347828.2); c.50-4G>T (NM_001347827.2, NM_001347829.2, NM_006206.4); c.89-4G>T (NM_001347830.2).
Identifiers: ClinVar variation 1141231 (VCV001141231.10), dbSNP rs2110241550, ClinGen allele CA2499217225.

ClinVar aggregate classification (germline): Likely benign. Review status: criteria provided, multiple submitters, no conflicts (2 of 4 stars). 3 submissions from 3 submitters: Likely benign (3). Last evaluated 2026-06-12.

Conditions:
Polyps, multiple and recurrent inflammatory fibroid, gastrointestinal. Identifiers: MedGen C5193005, MONDO:0008285, OMIM 175510.
Hereditary cancer-predisposing syndrome. Also called: Tumor predisposition; Hereditary Cancer Syndrome; Hereditary neoplastic syndrome; Neoplastic Syndromes, Hereditary. Identifiers: Orphanet 140162, MedGen C0027672, MeSH D009386, MONDO:0015356.
Gastrointestinal stromal tumor. Also called: Gastrointestinal stroma tumor; Gastrointestinal stromal tumor, somatic. Identifiers: Orphanet 44890, MedGen C0238198, MeSH D046152, MONDO:0011719, OMIM 606764, HP:0100723.

Submissions (3):

Myriad Genetics, Inc.
Classification: Likely benign for Polyps, multiple and recurrent inflammatory fibroid, gastrointestinal. Last evaluated: 2026-06-12. Review status: criteria provided, single submitter. Criteria: Myriad Autosomal Dominant, Autosomal Recessive and X-Linked Classification Criteria (2023). Collection method: clinical testing. Allele origin: unknown.
Comment: This variant is considered likely benign. This variant is intronic and is not expected to impact mRNA splicing.

Ambry Genetics
Classification: Likely benign for Hereditary cancer-predisposing syndrome. Last evaluated: 2025-10-20. Review status: criteria provided, single submitter. Criteria: Ambry Variant Classification Scheme 2023. Collection method: clinical testing. Allele origin: germline.

Labcorp Genetics (formerly Invitae), Labcorp
Classification: Likely benign for Gastrointestinal stromal tumor. Last evaluated: 2022-08-27. Review status: criteria provided, single submitter. Criteria: Invitae Variant Classification Sherloc (09022015). Collection method: clinical testing. Allele origin: germline.